The following is an entry in ClinVar:

NM_000329.3(RPE65):c.1235C>T (p.Pro412Leu)

Gene: RPE65 (retinoid isomerohydrolase RPE65; minus strand). Cytogenetic location: 1p31.3.
Variant type: single nucleotide variant.
Coding change: c.1235C>T on transcript NM_000329.3 (MANE Select); coding-DNA position 1235, C replaced by T.
Protein change: p.Pro412Leu; replaces proline 412 with leucine.
Molecular consequence: missense variant.
Genome position (GRCh38, 1-based): chr1:68,431,479, G>A on the plus strand (C>T on the coding strand, the complement: RPE65 is on the minus strand). VCF-style: chr1-68431479-G-A. GRCh37 (hg19) VCF-style: chr1-68897162-G-A.
Other names: short protein forms P412L.
Identifiers: ClinVar variation 1372592 (VCV001372592.3), dbSNP rs199613555, ClinGen allele CA23564286.

ClinVar aggregate classification (germline): Uncertain significance (1 of 4 stars; one submission).

Conditions:
Leber congenital amaurosis 2 (LCA2). Also called: Autosomal Recessive RPE65-Related Retinal Degeneration; AMAUROSIS CONGENITA OF LEBER II. Identifiers: Orphanet 65, MedGen C1859844, MONDO:0008765, OMIM 204100. Disease mechanism: loss of function.
Retinitis pigmentosa 20 (RP20). Identifiers: Orphanet 791, MedGen C3151086, MONDO:0013425, OMIM 613794.

Allele frequency attached by ClinVar (database versions not stated): gnomAD 0.00001; gnomAD exomes 0.00001.
gnomAD v4.1: 8 of 1,613,742 alleles (0.0005%); highest among the groups gnomAD compares: Admixed American, 0.0017%; no homozygotes.

Submission:

Labcorp Genetics (formerly Invitae), Labcorp
Classification: Uncertain significance for Leber congenital amaurosis 2; Retinitis pigmentosa 20. Last evaluated: 2022-02-08. Review status: criteria provided, single submitter. Criteria: Invitae Variant Classification Sherloc (09022015). Collection method: clinical testing. Allele origin: germline.
Comment: This sequence change replaces proline, which is neutral and non-polar, with leucine, which is neutral and non-polar, at codon 412 of the RPE65 protein (p.Pro412Leu). This variant is not present in population databases (gnomAD no frequency). This variant has not been reported in the literature in individuals affected with RPE65-related conditions. Algorithms developed to predict the effect of missense changes on protein structure and function (SIFT, PolyPhen-2, Align-GVGD) all suggest that this variant is likely to be tolerated. In summary, the available evidence is currently insufficient to determine the role of this variant in disease. Therefore, it has been classified as a Variant of Uncertain Significance.